The following is an entry in ClinVar:

NM_012144.4(DNAI1):c.342del (p.Ser115fs)

Gene: DNAI1 (dynein axonemal intermediate chain 1; plus strand). Cytogenetic location: 9p13.3.
Variant type: Deletion.
Coding change: c.342del on transcript NM_012144.4 (MANE Select); coding-DNA position 342, one base deleted (C; older notation c.342delC).
Protein change: p.Ser115fs; shifts the reading frame from serine 115.
Molecular consequence: frameshift variant.
Genome position (GRCh38, 1-based): chr9:34,489,403, C deleted. VCF-style (leftmost placement, unchanged base first): chr9-34489402-AC-A. GRCh37 (hg19) VCF-style: chr9-34489400-AC-A.
Other names: c.342del, p.Ser115fs (NM_001281428.2); short protein forms S115fs.
Identifiers: ClinVar variation 1731355 (VCV001731355.2), dbSNP rs2492032478, ClinGen allele CA2580080371.

ClinVar aggregate classification (germline): Pathogenic (1 of 4 stars; one submission).

Conditions:
Primary ciliary dyskinesia. Also called: Ciliary dyskinesia. Identifiers: Orphanet 244, MedGen C0008780, MONDO:0016575, HP:0012265.

Submission:

Ambry Genetics
Classification: Pathogenic for Primary ciliary dyskinesia. Last evaluated: 2018-01-29. Review status: criteria provided, single submitter. Criteria: Ambry Variant Classification Scheme 2023. Collection method: clinical testing. Allele origin: germline.
Comment: The c.342delC pathogenic mutation, located in coding exon 5 of the DNAI1 gene, results from a deletion of one nucleotide at nucleotide position 342, causing a translational frameshift with a predicted alternate stop codon (p.S115Qfs*13). This alteration is expected to result in loss of function by premature protein truncation or nonsense-mediated mRNA decay. As such, this alteration is interpreted as a disease-causing mutation.